The following is an entry in ClinVar:

ClinVar aggregate classification (germline): Uncertain significance (1 of 4 stars; one submission).

Allele frequency attached by ClinVar (database versions not stated): gnomAD exomes below 0.00001; TOPMed below 0.00001.
gnomAD v4.1: 1 of 1,613,184 alleles (0.000062%); highest among the groups gnomAD compares: Non-Finnish European, 0.000085%; no homozygotes.

Submission:

Labcorp Genetics (formerly Invitae), Labcorp
Classification: Uncertain significance. Last evaluated: 2024-02-19. Review status: criteria provided, single submitter. Criteria: Invitae Variant Classification Sherloc (09022015). Collection method: clinical testing. Allele origin: germline.
Comment: This sequence change replaces glutamic acid, which is acidic and polar, with lysine, which is basic and polar, at codon 1542 of the SAMD9L protein (p.Glu1542Lys). This variant is not present in population databases (gnomAD no frequency). This variant has not been reported in the literature in individuals affected with SAMD9L-related conditions. Algorithms developed to predict the effect of missense changes on protein structure and function output the following: SIFT: "Not Available"; PolyPhen-2: "Benign"; Align-GVGD: "Not Available". The lysine amino acid residue is found in multiple mammalian species, which suggests that this missense change does not adversely affect protein function. In summary, the available evidence is currently insufficient to determine the role of this variant in disease. Therefore, it has been classified as a Variant of Uncertain Significance.

NM_152703.5(SAMD9L):c.4624G>A (p.Glu1542Lys)

Gene: SAMD9L (sterile alpha motif domain containing 9 like; minus strand). Cytogenetic location: 7q21.2.
Variant type: single nucleotide variant.
Coding change: c.4624G>A on transcript NM_152703.5 (MANE Select); coding-DNA position 4624, G replaced by A.
Protein change: p.Glu1542Lys; replaces glutamic acid 1542 with lysine.
Molecular consequence: missense variant.
Genome position (GRCh38, 1-based): chr7:93,131,348, C>T on the plus strand (G>A on the coding strand, the complement: SAMD9L is on the minus strand). VCF-style: chr7-93131348-C-T. GRCh37 (hg19) VCF-style: chr7-92760661-C-T.
Other names: c.4624G>A, p.Glu1542Lys (NM_001303496.3, NM_001303497.3, NM_001303498.3 and 5 more transcripts); short protein forms E1542K.
Identifiers: ClinVar variation 2798020 (VCV002798020.3), dbSNP rs267601630, ClinGen allele CA161957929.